The following is an entry in ClinVar:

NM_005883.3(APC2):c.4556C>G (p.Pro1519Arg)

Gene: APC2 (APC regulator of Wnt signaling pathway 2; plus strand). Cytogenetic location: 19p13.3.
Variant type: single nucleotide variant.
Coding change: c.4556C>G on transcript NM_005883.3 (MANE Select); coding-DNA position 4556, C replaced by G.
Protein change: p.Pro1519Arg; replaces proline 1519 with arginine.
Molecular consequence: missense variant.
Genome position (GRCh38, 1-based): chr19:1,467,857, C>G. VCF-style: chr19-1467857-C-G. GRCh37 (hg19) VCF-style: chr19-1467856-C-G.
Other names: c.4553C>G, p.Pro1518Arg (NM_001351273.1); short protein forms P1518R, P1519R.
Identifiers: ClinVar variation 2112533 (VCV002112533.4), dbSNP rs1371558483, ClinGen allele CA403037344.

ClinVar aggregate classification (germline): Uncertain significance (1 of 4 stars; one submission).

Submission:

Labcorp Genetics (formerly Invitae), Labcorp
Classification: Uncertain significance. Last evaluated: 2022-10-17. Review status: criteria provided, single submitter. Criteria: Invitae Variant Classification Sherloc (09022015). Collection method: clinical testing. Allele origin: germline.
Comment: In summary, the available evidence is currently insufficient to determine the role of this variant in disease. Therefore, it has been classified as a Variant of Uncertain Significance. This sequence change replaces proline, which is neutral and non-polar, with arginine, which is basic and polar, at codon 1519 of the APC2 protein (p.Pro1519Arg). This variant is not present in population databases (gnomAD no frequency). This variant has not been reported in the literature in individuals affected with APC2-related conditions. Advanced modeling of protein sequence and biophysical properties (such as structural, functional, and spatial information, amino acid conservation, physicochemical variation, residue mobility, and thermodynamic stability) performed at Invitae indicates that this missense variant is not expected to disrupt APC2 protein function.